The following is an entry in ClinVar:

ClinVar aggregate classification (germline): Benign. Review status: criteria provided, single submitter (1 of 4 stars). 2 submissions from 2 submitters: Benign (1). 1 of the submissions does not count toward it. Last evaluated 2022-10-01.

Submissions (2):

CeGaT Center for Human Genetics Tuebingen
Classification: Benign. Last evaluated: 2022-10-01. Review status: criteria provided, single submitter. Criteria: CeGaT Center For Human Genetics Tuebingen Variant Classification Criteria Version 2. Collection method: clinical testing. Allele origin: germline. Affected: yes. Observed: 4 variant alleles.
Comment: TBP: BS1, BS2

Department of Pathology and Laboratory Medicine, Sinai Health System
Classification: Likely benign. Review status: no assertion criteria provided. Collection method: clinical testing. Allele origin: unknown. Affected: yes. Study: The Canadian Open Genetics Repository (COGR). Not counted in ClinVar's aggregate classification.
Comment: The TBP p.Gln87_Gln95del variant was not identified in the literature nor was it identified in dbSNP, ClinVar, Cosmic or LOVD 3.0. The variant was also not identified in the following control databases: the 1000 Genomes Project, the NHLBI GO Exome Sequencing Project, the Exome Aggregation Consortium (August 8th 2016), or the Genome Aggregation Database (Feb 27, 2017). The variant occurs outside of the splicing consensus sequence and in silico or computational prediction software programs (SpliceSiteFinder, MaxEntScan, NNSPLICE, GeneSplicer) do not predict a difference in splicing. This variant is an in-frame deletion resulting in the removal of glutamine (Gln) residues from codons 87-95; the impact of this alteration on TBP protein function is not known. In summary, based on the above information the clinical significance of this variant cannot be determined with certainty at this time although we would lean towards a more benign role for this variant. This variant is classified as likely benign.

NM_003194.5(TBP):c.225GCA[10] (p.Gln87_Gln95del)

Genes: TBP (TATA-box binding protein; plus strand), LOC108663996 (TATA-box binding protein repeat instability region; plus strand). Cytogenetic location: 6q27.
Variant type: Microsatellite.
Coding change: c.225GCA[10] on transcript NM_003194.5 (MANE Select); ten copies in a row of the 3-base unit GCA starting at c.225; the reference has 19 copies in a row; nine copies, 27 bases deleted.
Protein change: p.Gln87_Gln95del.
Molecular consequence: inframe deletion.
Genome position (GRCh38, 1-based): chr6:170,561,991-170,562,017, GCAGCAGCAGCAGCAGCAGCAGCAGCA deleted; deleting any 27 consecutive bases within chr6:170,561,959-170,562,017 gives the same sequence; the position shown is the placement nearest the transcript's 3' end. VCF-style (leftmost placement, unchanged base first): chr6-170561958-ACAGCAGCAGCAGCAGCAGCAGCAGCAG-A. GRCh37 (hg19) VCF-style: chr6-170871046-ACAGCAGCAGCAGCAGCAGCAGCAGCAG-A.
Other names: c.165GCA[10], p.Gln67_Gln75del (NM_001172085.2).
Identifiers: ClinVar variation 1049045 (VCV001049045.25), dbSNP rs752404282, ClinGen allele CA822631005.